The following is an entry in ClinVar:

ClinVar aggregate classification (germline): Uncertain significance (1 of 4 stars; one submission).

Conditions:
Inborn genetic diseases. Identifiers: MedGen C0950123, MeSH D030342.

gnomAD v4.1: 1 of 1,614,016 alleles (0.000062%); highest among the groups gnomAD compares: Non-Finnish European, 0.000085%; no homozygotes.

Submission:

Ambry Genetics
Classification: Uncertain significance for Inborn genetic diseases. Last evaluated: 2024-11-27. Review status: criteria provided, single submitter. Criteria: Ambry Variant Classification Scheme 2023. Collection method: clinical testing. Allele origin: germline.
Comment: The p.D558N variant (also known as c.1672G>A), located in coding exon 7 of the SH2B3 gene, results from a G to A substitution at nucleotide position 1672. The aspartic acid at codon 558 is replaced by asparagine, an amino acid with highly similar properties. This amino acid position is conserved. In addition, this alteration is predicted to be tolerated by in silico analysis. Based on the available evidence, the clinical significance of this variant remains unclear.

NM_005475.3(SH2B3):c.1672G>A (p.Asp558Asn)

Gene: SH2B3 (SH2B adaptor protein 3; plus strand). Cytogenetic location: 12q24.12.
Variant type: single nucleotide variant.
Coding change: c.1672G>A on transcript NM_005475.3 (MANE Select); coding-DNA position 1672, G replaced by A.
Protein change: p.Asp558Asn; replaces aspartic acid 558 with asparagine.
Molecular consequence: missense variant.
Genome position (GRCh38, 1-based): chr12:111,448,246, G>A. VCF-style: chr12-111448246-G-A. GRCh37 (hg19) VCF-style: chr12-111886050-G-A.
Other names: c.1066G>A, p.Asp356Asn (NM_001291424.1); short protein forms D356N, D558N.
Identifiers: ClinVar variation 3440796 (VCV003440796.1).